The following is an entry in ClinVar:

ClinVar aggregate classification (germline): Uncertain significance (1 of 4 stars; one submission).

Submission:

GeneDx
Classification: Uncertain significance. Last evaluated: 2025-06-03. Review status: criteria provided, single submitter. Criteria: GeneDx Variant Classification Process June 2021. Collection method: clinical testing. Allele origin: germline. Affected: yes.
Comment: Not observed at significant frequency in large population cohorts (gnomAD); In silico analysis suggests that this missense variant does not alter protein structure/function; Has not been previously published as pathogenic or benign to our knowledge

NM_003070.5(SMARCA2):c.1949A>G (p.Glu650Gly)

Gene: SMARCA2 (SWI/SNF related BAF chromatin remodeling complex subunit ATPase 2; plus strand). Cytogenetic location: 9p24.3.
Variant type: single nucleotide variant.
Coding change: c.1949A>G on transcript NM_003070.5 (MANE Select); coding-DNA position 1949, A replaced by G.
Protein change: p.Glu650Gly; replaces glutamic acid 650 with glycine.
Molecular consequence: missense variant.
Genome position (GRCh38, 1-based): chr9:2,076,242, A>G. VCF-style: chr9-2076242-A-G. GRCh37 (hg19) VCF-style: chr9-2076242-A-G.
Other names: c.1949A>G, p.Glu650Gly (NM_001289396.2, NM_001289397.2, NM_139045.4); short protein forms E650G.
Identifiers: ClinVar variation 4536528 (VCV004536528.1).